The following is an entry in ClinVar:

NM_172351.3(CD46):c.261A>G (p.Leu87=)

Gene: CD46 (CD46 molecule; plus strand). Cytogenetic location: 1q32.2.
Variant type: single nucleotide variant.
Coding change: c.261A>G on transcript NM_172351.3 (MANE Select); coding-DNA position 261, A replaced by G.
Protein change: p.Leu87=; no amino-acid change (leucine 87 retained).
Molecular consequence: synonymous variant.
Genome position (GRCh38, 1-based): chr1:207,757,177, A>G. VCF-style: chr1-207757177-A-G. GRCh37 (hg19) VCF-style: chr1-207930522-A-G.
Other names: c.261A>G, p.Leu87= (NM_002389.4, NM_153826.4, NM_172350.3 and 8 more transcripts).
Identifiers: ClinVar variation 1591086 (VCV001591086.12), dbSNP rs115385712, ClinGen allele CA1371563.
Genomic context (GRCh38, chr1:207,757,177, plus strand): 5'-ATACTTCTATATACCTCCTCTTGCCACCCATACTATTTGTGATCGGAATCATACATGGCT[A>G]CCTGTCTCAGATGACGCCTGTTATAGTAAGTAAACAAACCTCTTTTTTTTTTCTGCTTGC-3'
Protein context (NP_758861.1, residues 77-97): HTICDRNHTW[Leu87=]PVSDDACYRE

ClinVar aggregate classification (germline): Likely benign. Review status: criteria provided, multiple submitters, no conflicts (2 of 4 stars). 3 submissions from 3 submitters: Likely benign (2). 1 of the submissions does not count toward it. Last evaluated 2025-04-08.

Conditions:
CD46-related disorder. Also called: CD46-related condition.
Atypical hemolytic-uremic syndrome with MCP/CD46 anomaly. Also called: HEMOLYTIC UREMIC SYNDROME, ATYPICAL, SUSCEPTIBILITY TO, 2; AHUS, SUSCEPTIBILITY TO, 2. Identifiers: Orphanet 2134, MedGen C2752040, MONDO:0013040, OMIM 612922.

Allele frequency attached by ClinVar (database versions not stated): gnomAD exomes 0.00003 and 0.00008; gnomAD 0.00008 and 0.00009; TOPMed 0.00008; ExAC 0.00012; 1000 Genomes Project 30x 0.00016; 1000 Genomes Project 0.00020.
gnomAD v4.1: 54 of 1,613,720 alleles (0.0033%); highest among the groups gnomAD compares: East Asian, 0.058%; no homozygotes.

Submissions (3):

Labcorp Genetics (formerly Invitae), Labcorp
Classification: Likely benign. Last evaluated: 2025-04-08. Review status: criteria provided, single submitter. Criteria: Invitae Variant Classification Sherloc (09022015). Collection method: clinical testing. Allele origin: germline.

Fulgent Genetics
Classification: Likely benign for Atypical hemolytic-uremic syndrome with MCP/CD46 anomaly. Last evaluated: 2022-04-13. Review status: criteria provided, single submitter. Criteria: ACMG Guidelines, 2015. Collection method: clinical testing. Allele origin: unknown.

PreventionGenetics, part of Exact Sciences
Classification: Likely benign for CD46-related condition. Last evaluated: 2019-03-29. Review status: no assertion criteria provided. Collection method: clinical testing. Allele origin: germline. Not counted in ClinVar's aggregate classification.
Comment: This variant is classified as likely benign based on ACMG/AMP sequence variant interpretation guidelines (Richards et al. 2015 PMID: 25741868, with internal and published modifications).